The following is an entry in ClinVar:

ClinVar aggregate classification (germline): Uncertain significance (1 of 4 stars; one submission).

Conditions:
Pilarowski-Bjornsson syndrome. Also called: DEVELOPMENTAL DELAY AND SPEECH APRAXIA WITH OR WITHOUT SEIZURES. Identifiers: Orphanet 529965, MedGen C4540131, MONDO:0060568, OMIM 617682.

Allele frequency attached by ClinVar (database versions not stated): gnomAD exomes below 0.00001.
gnomAD v4.1: 2 of 1,613,530 alleles (0.00012%); highest among the groups gnomAD compares: South Asian, 0.0011%; no homozygotes.

Submission:

Victorian Clinical Genetics Services, Murdoch Childrens Research Institute
Classification: Uncertain significance for Pilarowski-Bjornsson syndrome. Last evaluated: 2024-09-23. Review status: criteria provided, single submitter. Criteria: ACMG Guidelines, 2015. Collection method: clinical testing. Allele origin: germline. Inheritance: Autosomal dominant inheritance. Affected: yes.
Comment: Based on the classification scheme VCGS_Germline_v1.3.4, this variant is classified as VUS-3B. Following criteria are met: 0105 - The mechanism of disease for this gene is not clearly established. However, dominant negative is a suggested mechanism of disease (PMID: 28866611). (I) 0107 - This gene is associated with autosomal dominant disease. (I) 0115 - Variants in this gene are known to have variable expressivity. Phenotype is highly variable (OMIM, PMID: 28866611). (I) 0200 - Variant is predicted to result in a missense amino acid change from arginine to glutamine. (I) 0251 - This variant is heterozygous. (I) 0301 - Variant is absent from gnomAD (both v2 and v3). (SP) 0502 - Missense variant with conflicting in silico predictions and uninformative conservation. (I) 0600 - Variant is located in the annotated CDH1/2 SANT-Helical linker 1 (DECIPHER). (I) 0705 - No comparable missense variants have previous evidence for pathogenicity. (I) 0803 - This variant has limited previous evidence of pathogenicity in an unrelated individual. This variant has been observed as de novo in an individual with autism in a large cohort study (PMID: 25418537). (SP) 0905 - No published segregation evidence has been identified for this variant. (I) 1007 - No published functional evidence has been identified for this variant. (I) Legend: (SP) - Supporting pathogenic, (I) - Information, (SB) - Supporting benign

Literature cited by the submitters: PubMed 25418537; PubMed 28866611.

NM_001270.4(CHD1):c.3608G>A (p.Arg1203Gln)

Gene: CHD1 (chromodomain helicase DNA binding protein 1; minus strand). Cytogenetic location: 5q15.
Variant type: single nucleotide variant.
Coding change: c.3608G>A on transcript NM_001270.4 (MANE Select); coding-DNA position 3608, G replaced by A.
Protein change: p.Arg1203Gln; replaces arginine 1203 with glutamine.
Molecular consequence: missense variant. On other transcripts: non-coding transcript variant (2).
Genome position (GRCh38, 1-based): chr5:98,872,519, C>T on the plus strand (G>A on the coding strand, the complement: CHD1 is on the minus strand). VCF-style: chr5-98872519-C-T. GRCh37 (hg19) VCF-style: chr5-98208223-C-T.
Other names: c.3608G>A, p.Arg1203Gln (NM_001364113.3, NM_001376194.2); short protein forms R1203Q.
Identifiers: ClinVar variation 3255199 (VCV003255199.2), dbSNP rs2479459092.
Genomic context (GRCh38, chr5:98,872,519, plus strand): 5'-GGTATTAATTCTTCTTCATGGGAGATGACTAGTTTGGCATTCACCTGTACTCCTGATATT[C>T]GGAATGTTGGACCCTTCACTTTTCCGAGTCTACCACCTTGATTTTTTTTAAAAAAACCAG-3'
Protein context (NP_001261.2, residues 1193-1213): RLGKVKGPTF[Arg1203Gln]ISGVQVNAKL